The following is an entry in ClinVar:

ClinVar aggregate classification (germline): Likely benign. Review status: reviewed by expert panel (3 of 4 stars). 3 submissions from 3 submitters: Likely benign (1). 2 of the submissions do not count toward it. Last evaluated 2017-06-29.

Conditions:
Hereditary breast ovarian cancer syndrome. Also called: Hereditary breast and ovarian cancer; Hereditary breast and ovarian cancer syndrome; Breast and ovarian cancer; Hereditary breast and ovarian cancer syndrome (HBOC); Hereditary breast and/or ovarian cancer syndrome; BRCA1- and BRCA2-Associated Hereditary Breast and Ovarian Cancer. Identifiers: Orphanet 145, MedGen C0677776, MeSH D061325, MONDO:0003582. Disease mechanism: loss of function.
Breast-ovarian cancer, familial, susceptibility to, 2 (BROVCA2). Also called: BRCA2 Hereditary Breast and Ovarian Cancer. Identifiers: Orphanet 145, MedGen C2675520, MONDO:0012933, OMIM 612555. Disease mechanism: loss of function.
Hereditary cancer-predisposing syndrome. Also called: Hereditary Cancer Syndrome; Neoplastic Syndromes, Hereditary; Tumor predisposition; Hereditary neoplastic syndrome. Identifiers: Orphanet 140162, MedGen C0027672, MeSH D009386, MONDO:0015356.

Allele frequency attached by ClinVar (database versions not stated): gnomAD exomes 0.00001.
gnomAD v4.1: 14 of 1,613,692 alleles (0.00087%); highest among the groups gnomAD compares: Non-Finnish European, 0.0012%; no homozygotes.

Submissions (3):

Evidence-based Network for the Interpretation of Germline Mutant Alleles (ENIGMA)
Classification: Likely benign for Breast-ovarian cancer, familial, susceptibility to, 2. Last evaluated: 2017-06-29. Review status: reviewed by expert panel. Criteria: ENIGMA BRCA1/2 Classification Criteria (2017-06-29). Collection method: curation. Allele origin: germline.
Comment: Synonymous substitution variant, with low bioinformatic likelihood to result in a splicing aberration (Splicing prior probability 0.02).

Labcorp Genetics (formerly Invitae), Labcorp
Classification: Likely benign for Hereditary breast ovarian cancer syndrome. Last evaluated: 2023-09-12. Review status: criteria provided, single submitter. Criteria: Invitae Variant Classification Sherloc (09022015). Collection method: clinical testing. Allele origin: germline. Not counted in ClinVar's aggregate classification.

Ambry Genetics
Classification: Likely benign for Hereditary cancer-predisposing syndrome. Last evaluated: 2014-11-25. Review status: criteria provided, single submitter. Criteria: Ambry Variant Classification Scheme 2023. Collection method: clinical testing. Allele origin: germline. Not counted in ClinVar's aggregate classification.

NM_000059.4(BRCA2):c.7650A>T (p.Ile2550=)

Gene: BRCA2 (BRCA2 DNA repair associated; plus strand). Cytogenetic location: 13q13.1.
Variant type: single nucleotide variant.
Coding change: c.7650A>T on transcript NM_000059.4 (MANE Select); coding-DNA position 7650, A replaced by T.
Protein change: p.Ile2550=; no amino-acid change (isoleucine 2550 retained).
Molecular consequence: synonymous variant.
Genome position (GRCh38, 1-based): chr13:32,357,774, A>T. VCF-style: chr13-32357774-A-T. GRCh37 (hg19) VCF-style: chr13-32931911-A-T.
Identifiers: ClinVar variation 186479 (VCV000186479.16), dbSNP rs750460177, ClinGen allele CA025212.
Genomic context (GRCh38, chr13:32,357,774, plus strand): 5'-CTTTTTTGTGTGTGTTTATTTTGTGTAGCTGTATACGTATGGCGTTTCTAAACATTGCAT[A>T]AAAATTAACAGCAAAAATGCAGAGTCTTTTCAGTTTCACACTGAAGATTATTTTGGTAAG-3'
Protein context (NP_000050.3, residues 2540-2560): LYTYGVSKHC[Ile2550=]KINSKNAESF